The following is an entry in ClinVar:

ClinVar aggregate classification (germline): Uncertain significance. Review status: criteria provided, multiple submitters, no conflicts (2 of 4 stars). 2 submissions from 2 submitters: Uncertain significance (2). Last evaluated 2025-04-07.

Conditions:
Epilepsy. Also called: Seizure disorder. Identifiers: MedGen C0014544, MeSH D004827, MONDO:0005027.
Inborn genetic diseases. Identifiers: MedGen C0950123, MeSH D030342.

Allele frequency attached by ClinVar (database versions not stated): gnomAD exomes below 0.00001 and 0.00002; TOPMed below 0.00001; ExAC 0.00003.
gnomAD v4.1: 4 of 1,583,180 alleles (0.00025%); no homozygotes.

Submissions (2):

Ambry Genetics
Classification: Uncertain significance for Inborn genetic diseases. Last evaluated: 2025-04-07. Review status: criteria provided, single submitter. Criteria: Ambry Variant Classification Scheme 2023. Collection method: clinical testing. Allele origin: germline.

Labcorp Genetics (formerly Invitae), Labcorp
Classification: Uncertain significance for Epilepsy. Last evaluated: 2022-08-23. Review status: criteria provided, single submitter. Criteria: Invitae Variant Classification Sherloc (09022015). Collection method: clinical testing. Allele origin: germline.
Comment: This sequence change replaces methionine, which is neutral and non-polar, with isoleucine, which is neutral and non-polar, at codon 273 of the PIGQ protein (p.Met273Ile). The frequency data for this variant in the population databases is considered unreliable, as metrics indicate poor data quality at this position in the gnomAD database. This variant has not been reported in the literature in individuals affected with PIGQ-related conditions. ClinVar contains an entry for this variant (Variation ID: 1393054). Algorithms developed to predict the effect of missense changes on protein structure and function (SIFT, PolyPhen-2, Align-GVGD) all suggest that this variant is likely to be tolerated. Algorithms developed to predict the effect of sequence changes on RNA splicing suggest that this variant may disrupt the consensus splice site. In summary, the available evidence is currently insufficient to determine the role of this variant in disease. Therefore, it has been classified as a Variant of Uncertain Significance.

NM_004204.5(PIGQ):c.819G>A (p.Met273Ile)

Gene: PIGQ (phosphatidylinositol glycan anchor biosynthesis class Q; plus strand). Cytogenetic location: 16p13.3.
Variant type: single nucleotide variant.
Coding change: c.819G>A on transcript NM_004204.5 (MANE Select); coding-DNA position 819, G replaced by A.
Protein change: p.Met273Ile; replaces methionine 273 with isoleucine.
Molecular consequence: missense variant.
Genome position (GRCh38, 1-based): chr16:575,968, G>A. VCF-style: chr16-575968-G-A. GRCh37 (hg19) VCF-style: chr16-625968-G-A.
Other names: c.819G>A, p.Met273Ile (NM_148920.4); c.819G>A (NM_148920.1); short protein forms M273I.
Identifiers: ClinVar variation 1393054 (VCV001393054.9), dbSNP rs746245143, ClinGen allele CA7779981.
Genomic context (GRCh38, chr16:575,968, plus strand): 5'-GCTGGAGCACCTCACGCTAATCTTCAGTACACGGAAGGCGGAGAACCCTGCCCAGCTGAT[G>A]AGGTGTGGGCCTGCCCTGGTCTCTGCAGGGCTGGGTGCGTGCCCTCTGGCCCCTTCTCCA-3'
Protein context (NP_004195.2, residues 263-283): TRKAENPAQL[Met273Ile]RKANTVASVL